The following is an entry in ClinVar:

ClinVar aggregate classification (germline): Uncertain significance (1 of 4 stars; one submission).

Conditions:
Inborn genetic diseases. Identifiers: MedGen C0950123, MeSH D030342.

Submission:

Ambry Genetics
Classification: Uncertain significance for Inborn genetic diseases. Last evaluated: 2025-08-28. Review status: criteria provided, single submitter. Criteria: Ambry Variant Classification Scheme 2023. Collection method: clinical testing. Allele origin: germline.
Comment: The p.R1329T variant (also known as c.3986G>C), located in coding exon 40 of the FANCA gene, results from a G to C substitution at nucleotide position 3986. The arginine at codon 1329 is replaced by threonine, an amino acid with similar properties. This amino acid position is conserved. In addition, this alteration is predicted to be deleterious by in silico analysis. Based on the available evidence, the clinical significance of this variant remains unclear.

NM_000135.4(FANCA):c.3986G>C (p.Arg1329Thr)

Genes: FANCA (FA complementation group A; minus strand), ZNF276 (zinc finger protein 276; plus strand). Cytogenetic location: 16q24.3.
Variant type: single nucleotide variant.
Coding change: c.3986G>C on transcript NM_000135.4 (MANE Select); coding-DNA position 3986, G replaced by C.
Protein change: p.Arg1329Thr; replaces arginine 1329 with threonine.
Molecular consequence: missense variant. On other transcripts: 3 prime UTR variant (2), non-coding transcript variant (4).
Genome position (GRCh38, 1-based): chr16:89,739,502, C>G on the plus strand (G>C on the coding strand, the complement: FANCA is on the minus strand). VCF-style: chr16-89739502-C-G. GRCh37 (hg19) VCF-style: chr16-89805910-C-G.
Other names: c.3986G>C, p.Arg1329Thr (NM_001286167.3); c.*1256C>G (NM_001113525.2, NM_152287.4); short protein forms R1329T.
Identifiers: ClinVar variation 4254315 (VCV004254315.1).